The following is an entry in ClinVar:

NM_000130.5(F5):c.5014G>A (p.Ala1672Thr)

Gene: F5 (coagulation factor V; minus strand). Cytogenetic location: 1q24.2.
Variant type: single nucleotide variant.
Coding change: c.5014G>A on transcript NM_000130.5 (MANE Select); coding-DNA position 5014, G replaced by A.
Protein change: p.Ala1672Thr; replaces alanine 1672 with threonine.
Molecular consequence: missense variant.
Genome position (GRCh38, 1-based): chr1:169,530,980, C>T on the plus strand (G>A on the coding strand, the complement: F5 is on the minus strand). VCF-style: chr1-169530980-C-T. GRCh37 (hg19) VCF-style: chr1-169500218-C-T.
Other names: short protein forms A1672T.
Identifiers: ClinVar variation 3390185 (VCV003390185.14).

ClinVar aggregate classification (germline): Uncertain significance (1 of 4 stars; one submission).

gnomAD v4.1: 2 of 1,613,650 alleles (0.00012%); highest among the groups gnomAD compares: Non-Finnish European, 0.00017%; no homozygotes.

Submission:

CeGaT Center for Human Genetics Tuebingen
Classification: Uncertain significance. Last evaluated: 2024-11-01. Review status: criteria provided, single submitter. Criteria: CeGaT Center For Human Genetics Tuebingen Variant Classification Criteria Version 2. Collection method: clinical testing. Allele origin: germline. Affected: yes. Observed: 1 variant allele.
Comment: F5: PM2